The following is an entry in ClinVar:

ClinVar aggregate classification (germline): Likely pathogenic (1 of 4 stars; one submission).

Conditions:
Retinal dystrophy with or without macular staphyloma. Identifiers: Orphanet 653709, MedGen C4479651, MONDO:0060507, OMIM 617547.

Submission:

DBGen Ocular Genomics
Classification: Likely pathogenic for Retinal dystrophy with or without macular staphyloma. Last evaluated: 2023-01-01. Review status: criteria provided, single submitter. Criteria: ACMG Guidelines, 2015. Collection method: clinical testing. Allele origin: inherited. Inheritance: Autosomal recessive inheritance. Affected: yes.
Comment: Class 4 ACMG Guidelines, 2015 (PMID:25741868)

NM_004928.3(CFAP410):c.544dup (p.Thr182fs)

Gene: CFAP410 (cilia and flagella associated protein 410; minus strand). Cytogenetic location: 21q22.3.
Variant type: Duplication.
Coding change: c.544dup on transcript NM_004928.3 (MANE Select); coding-DNA position 544, one base duplicated (A; older notation c.544dupA).
Protein change: p.Thr182fs; shifts the reading frame from threonine 182.
Molecular consequence: frameshift variant.
Genome position (GRCh38, 1-based): chr21:44,331,844, T duplicated on the plus strand (A on the coding strand, the reverse complement: CFAP410 is on the minus strand); the first of 2 consecutive T bases (chr21:44,331,844-44,331,845); duplicating either gives the same sequence. VCF-style (leftmost placement, unchanged base first): chr21-44331843-G-GT. GRCh37 (hg19) VCF-style: chr21-45751726-G-GT.
Other names: c.544dup, p.Thr182fs (NM_001271440.2, NM_001271441.2); c.421dup, p.Thr141fs (NM_001271442.1); c.544dupA (NM_004928.3); short protein forms T141fs, T182fs.
Identifiers: ClinVar variation 2628028 (VCV002628028.2), dbSNP rs1568986041, ClinGen allele CA638494335.